The following is an entry in ClinVar:

ClinVar aggregate classification (germline): Uncertain significance (1 of 4 stars; one submission).

gnomAD v4.1: 2 of 1,613,516 alleles (0.00012%); highest among the groups gnomAD compares: Admixed American, 0.0017%; no homozygotes.

Submission:

GeneDx
Classification: Uncertain significance. Last evaluated: 2025-04-07. Review status: criteria provided, single submitter. Criteria: GeneDx Variant Classification Process June 2021. Collection method: clinical testing. Allele origin: germline. Affected: yes.
Comment: Not observed at significant frequency in large population cohorts (gnomAD); In silico analysis indicates that this missense variant does not alter protein structure/function; Has not been previously published as pathogenic or benign to our knowledge

NM_001379180.1(ESRRB):c.76G>A (p.Asp26Asn)

Gene: ESRRB (estrogen related receptor beta; plus strand). Cytogenetic location: 14q24.3.
Variant type: single nucleotide variant.
Coding change: c.76G>A on transcript NM_001379180.1 (MANE Select); coding-DNA position 76, G replaced by A.
Protein change: p.Asp26Asn; replaces aspartic acid 26 with asparagine.
Molecular consequence: missense variant.
Genome position (GRCh38, 1-based): chr14:76,439,366, G>A. VCF-style: chr14-76439366-G-A. GRCh37 (hg19) VCF-style: chr14-76905709-G-A.
Other names: c.28G>A, p.Asp10Asn (NM_001411038.1); c.13G>A, p.Asp5Asn (NM_004452.4); short protein forms D10N, D26N, D5N.
Identifiers: ClinVar variation 4281751 (VCV004281751.1).